The following is an entry in ClinVar:

ClinVar aggregate classification (germline): Uncertain significance. Review status: criteria provided, multiple submitters, no conflicts (2 of 4 stars). 3 submissions from 3 submitters: Uncertain significance (3). Last evaluated 2025-05-29.

Conditions:
Primary ciliary dyskinesia 7. Also called: CILIARY DYSKINESIA, PRIMARY, 7, WITH OR WITHOUT SITUS INVERSUS. Identifiers: Orphanet 244, MedGen C2678473, MONDO:0012748, OMIM 611884.
Primary ciliary dyskinesia. Also called: Ciliary dyskinesia. Identifiers: Orphanet 244, MedGen C0008780, MONDO:0016575, HP:0012265.

Allele frequency attached by ClinVar (database versions not stated): gnomAD exomes below 0.00001.
gnomAD v4.1: 3 of 1,591,128 alleles (0.00019%); highest among the groups gnomAD compares: Middle Eastern, 0.017%; no homozygotes.

Submissions (3):

Ambry Genetics
Classification: Uncertain significance for Primary ciliary dyskinesia. Last evaluated: 2025-05-29. Review status: criteria provided, single submitter. Criteria: Ambry Variant Classification Scheme 2023. Collection method: clinical testing. Allele origin: germline.

Revvity Omics, Revvity
Classification: Uncertain significance for Primary ciliary dyskinesia 7. Last evaluated: 2021-12-07. Review status: criteria provided, single submitter. Criteria: ACMG Guidelines, 2015. Collection method: clinical testing. Allele origin: germline.

Labcorp Genetics (formerly Invitae), Labcorp
Classification: Uncertain significance for Primary ciliary dyskinesia. Last evaluated: 2021-08-31. Review status: criteria provided, single submitter. Criteria: Invitae Variant Classification Sherloc (09022015). Collection method: clinical testing. Allele origin: germline.
Comment: This sequence change replaces leucine with phenylalanine at codon 2155 of the DNAH11 protein (p.Leu2155Phe). The leucine residue is highly conserved and there is a small physicochemical difference between leucine and phenylalanine. This variant is not present in population databases (ExAC no frequency). This variant has not been reported in the literature in individuals affected with DNAH11-related conditions. Algorithms developed to predict the effect of missense changes on protein structure and function are either unavailable or do not agree on the potential impact of this missense change (SIFT: "Tolerated"; PolyPhen-2: "Probably Damaging"; Align-GVGD: "Class C0"). In summary, the available evidence is currently insufficient to determine the role of this variant in disease. Therefore, it has been classified as a Variant of Uncertain Significance.

NM_001277115.2(DNAH11):c.6463C>T (p.Leu2155Phe)

Gene: DNAH11 (dynein axonemal heavy chain 11; plus strand). Cytogenetic location: 7p15.3.
Variant type: single nucleotide variant.
Coding change: c.6463C>T on transcript NM_001277115.2 (MANE Select); coding-DNA position 6463, C replaced by T.
Protein change: p.Leu2155Phe; replaces leucine 2155 with phenylalanine.
Molecular consequence: missense variant.
Genome position (GRCh38, 1-based): chr7:21,704,623, C>T. VCF-style: chr7-21704623-C-T. GRCh37 (hg19) VCF-style: chr7-21744241-C-T.
Other names: short protein forms L2155F.
Identifiers: ClinVar variation 850638 (VCV000850638.11), dbSNP rs1784195701, ClinGen allele CA366937531.
Genomic context (GRCh38, chr7:21,704,623, plus strand): 5'-GAACAGATGGTCAGGCAGTCTACCCTGGAGCTCCGCCTGCAGCCTGAAGAGAGCTTCATC[C>T]TCAAAGTAAAAGGAGCATTTGCTTTTCATGGCAGCTGTTGGGATTGTCAGTGGAAATAAT-3'
Protein context (NP_001264044.1, residues 2145-2165): LRLQPEESFI[Leu2155Phe]KVVQLEELLA